The following is an entry in ClinVar:

ClinVar aggregate classification (germline): Uncertain significance. Review status: criteria provided, multiple submitters, no conflicts (2 of 4 stars). 2 submissions from 2 submitters: Uncertain significance (2). Last evaluated 2024-10-21.

Allele frequency attached by ClinVar (database versions not stated): gnomAD exomes 0.00002; ExAC 0.00003; gnomAD 0.00003; TOPMed 0.00003; 1000 Genomes Project 30x 0.00016; 1000 Genomes Project 0.00020.
gnomAD v4.1: 33 of 1,571,748 alleles (0.0021%); highest among the groups gnomAD compares: East Asian, 0.0091%; no homozygotes.

Submissions (2):

Labcorp Genetics (formerly Invitae), Labcorp
Classification: Uncertain significance. Last evaluated: 2024-10-21. Review status: criteria provided, single submitter. Criteria: Invitae Variant Classification Sherloc (09022015). Collection method: clinical testing. Allele origin: germline.
Comment: This sequence change replaces isoleucine, which is neutral and non-polar, with threonine, which is neutral and polar, at codon 172 of the ITPR1 protein (p.Ile172Thr). This variant is present in population databases (rs146177759, gnomAD 0.01%). This variant has not been reported in the literature in individuals affected with ITPR1-related conditions. ClinVar contains an entry for this variant (Variation ID: 1807472). Invitae Evidence Modeling of protein sequence and biophysical properties (such as structural, functional, and spatial information, amino acid conservation, physicochemical variation, residue mobility, and thermodynamic stability) indicates that this missense variant is not expected to disrupt ITPR1 protein function with a negative predictive value of 95%. In summary, the available evidence is currently insufficient to determine the role of this variant in disease. Therefore, it has been classified as a Variant of Uncertain Significance.

Athena Diagnostics
Classification: Uncertain significance. Last evaluated: 2022-05-17. Review status: criteria provided, single submitter. Criteria: Athena Diagnostics Criteria. Collection method: clinical testing. Allele origin: unknown.

NM_001378452.1(ITPR1):c.515T>C (p.Ile172Thr)

Gene: ITPR1 (inositol 1,4,5-trisphosphate receptor type 1; plus strand). Cytogenetic location: 3p26.1.
Variant type: single nucleotide variant.
Coding change: c.515T>C on transcript NM_001378452.1 (MANE Select); coding-DNA position 515, T replaced by C.
Protein change: p.Ile172Thr; replaces isoleucine 172 with threonine.
Molecular consequence: missense variant.
Genome position (GRCh38, 1-based): chr3:4,642,241, T>C. VCF-style: chr3-4642241-T-C. GRCh37 (hg19) VCF-style: chr3-4683925-T-C.
Other names: c.515T>C, p.Ile172Thr (NM_001099952.4, NM_001168272.2, NM_002222.7); short protein forms I172T.
Identifiers: ClinVar variation 1807472 (VCV001807472.3), dbSNP rs146177759, ClinGen allele CA2230874.